The following is an entry in ClinVar:

NM_004004.6(GJB2):c.520T>C (p.Cys174Arg)

Gene: GJB2 (gap junction protein beta 2; minus strand). Cytogenetic location: 13q12.11.
Variant type: single nucleotide variant.
Coding change: c.520T>C on transcript NM_004004.6 (MANE Select); coding-DNA position 520, T replaced by C.
Protein change: p.Cys174Arg; replaces cysteine 174 with arginine.
Molecular consequence: missense variant.
Genome position (GRCh38, 1-based): chr13:20,189,062, A>G on the plus strand (T>C on the coding strand, the complement: GJB2 is on the minus strand). VCF-style: chr13-20189062-A-G. GRCh37 (hg19) VCF-style: chr13-20763201-A-G.
Other names: short protein forms C174R.
Identifiers: ClinVar variation 3769029 (VCV003769029.1).

ClinVar aggregate classification (germline): Uncertain significance (1 of 4 stars; one submission).

Submission:

Women's Health and Genetics/Laboratory Corporation of America, LabCorp
Classification: Uncertain significance. Last evaluated: 2025-02-17. Review status: criteria provided, single submitter. Criteria: LabCorp Variant Classification Summary - May 2015. Collection method: clinical testing. Allele origin: germline.
Comment: Variant summary: GJB2 c.520T>C (p.Cys174Arg) results in a non-conservative amino acid change in the encoded protein sequence. Five of five in-silico tools predict a damaging effect of the variant on protein function. The variant was absent in 251252 control chromosomes (gnomAD). The available data on variant occurrences in the general population are insufficient to allow any conclusion about variant significance. c.520T>C has been reported in the literature in an individual(s) affected with Non-Syndromic Hearing Loss in the compound heterozygous state with a pathogenic variant (e.g. Primignani_2009). These data do not allow any conclusion about variant significance. To our knowledge, no experimental evidence demonstrating an impact on protein function has been reported. The following publication has been ascertained in the context of this evaluation (PMID: 16950989, 19371219, 16380907). No submitters have cited clinical-significance assessments for this variant to ClinVar. Based on the evidence outlined above, the variant was classified as uncertain significance.

Literature cited by the submitters: PubMed 16380907; PubMed 19371219; PubMed 16950989.